The following is an entry in ClinVar:

NM_003072.5(SMARCA4):c.3874-6_3874-5del

Gene: SMARCA4 (SWI/SNF related BAF chromatin remodeling complex subunit ATPase 4; plus strand). Cytogenetic location: 19p13.2.
Variant type: Deletion.
Coding change: c.3874-6_3874-5del on transcript NM_003072.5 (MANE Select); 6 bases into the intron before coding-DNA position 3874 through 5 bases into the intron before coding-DNA position 3874, 2 bases deleted (TT; older notation c.3874-6_3874-5delTT).
Molecular consequence: intron variant.
Genome position (GRCh38, 1-based): chr19:11,034,117-11,034,118, TT deleted. VCF-style (leftmost placement, unchanged base first): chr19-11034116-CTT-C. GRCh37 (hg19) VCF-style: chr19-11144792-CTT-C.
Other names: c.3874-6_3874-5del (NM_001128844.3, NM_001128849.3, NM_001387283.1); c.3775-6_3775-5del (NM_001128847.4, NM_001411150.1, NM_001374457.1 and 3 more transcripts).
Identifiers: ClinVar variation 3641054 (VCV003641054.2).

ClinVar aggregate classification (germline): Uncertain significance (1 of 4 stars; one submission).

Conditions:
Rhabdoid tumor predisposition syndrome 2 (RTPS2). Identifiers: Orphanet 231108, Orphanet 69077, MedGen C2750074, MONDO:0013224, OMIM 613325.

Submission:

Labcorp Genetics (formerly Invitae), Labcorp
Classification: Uncertain significance for Rhabdoid tumor predisposition syndrome 2. Last evaluated: 2024-02-15. Review status: criteria provided, single submitter. Criteria: Invitae Variant Classification Sherloc (09022015). Collection method: clinical testing. Allele origin: germline.
Comment: This sequence change falls in intron 27 of the SMARCA4 gene. It does not directly change the encoded amino acid sequence of the SMARCA4 protein. This variant is not present in population databases (gnomAD no frequency). This variant has not been reported in the literature in individuals affected with SMARCA4-related conditions. Algorithms developed to predict the effect of sequence changes on RNA splicing suggest that this variant may disrupt the consensus splice site. In summary, the available evidence is currently insufficient to determine the role of this variant in disease. Therefore, it has been classified as a Variant of Uncertain Significance.